The following is an entry in ClinVar:

NM_001943.5(DSG2):c.1212A>G (p.Ser404=)

Gene: DSG2 (desmoglein 2; plus strand). Cytogenetic location: 18q12.1.
Variant type: single nucleotide variant.
Coding change: c.1212A>G on transcript NM_001943.5 (MANE Select); coding-DNA position 1212, A replaced by G.
Protein change: p.Ser404=; no amino-acid change (serine 404 retained).
Molecular consequence: synonymous variant.
Genome position (GRCh38, 1-based): chr18:31,531,184, A>G. VCF-style: chr18-31531184-A-G. GRCh37 (hg19) VCF-style: chr18-29111147-A-G.
Identifiers: ClinVar variation 3074704 (VCV003074704.1), dbSNP rs2510915417, ClinGen allele CA503765876.

ClinVar aggregate classification (germline): Likely benign (1 of 4 stars; one submission).

Conditions:
Arrhythmogenic right ventricular cardiomyopathy (ARVD). Also called: Arrhythmogenic right ventricular dysplasia; Cardiomyopathy, ARVC; Arrhythmogenic cardiomyopathy; Arrhythmogenic Right Ventricular Cardiomyopathy (ARVC). Identifiers: Orphanet 247, MedGen C0349788, MeSH D019571, MONDO:0016587. Disease mechanism: loss of function. Inheritance: Various modes of inheritance.

gnomAD v4.1: 1 of 1,614,204 alleles (0.000062%); no homozygotes.

Submission:

All of Us Research Program, National Institutes of Health
Classification: Likely benign for Arrhythmogenic right ventricular cardiomyopathy. Last evaluated: 2023-11-20. Review status: criteria provided, single submitter. Criteria: ACMG Guidelines, 2015. Collection method: clinical testing. Allele origin: germline. Inheritance: Autosomal dominant inheritance. Observed: 1 variant allele, 1 heterozygote.
Comment: This study involves interpretation of variants in research participants for the purpose of population health screening. Participant phenotype was not available at the time of variant classification. Additional details can be found in publication PMID: 35346344, PMCID: PMC8962531